The following is an entry in ClinVar:

NM_000089.4(COL1A2):c.324+6T>C

Gene: COL1A2 (collagen type I alpha 2 chain; plus strand). Cytogenetic location: 7q21.3.
Variant type: single nucleotide variant.
Coding change: c.324+6T>C on transcript NM_000089.4 (MANE Select); 6 bases into the intron after coding-DNA position 324, T replaced by C.
Molecular consequence: intron variant.
Genome position (GRCh38, 1-based): chr7:94,404,606, T>C. VCF-style: chr7-94404606-T-C. GRCh37 (hg19) VCF-style: chr7-94033918-T-C.
Identifiers: ClinVar variation 3750831 (VCV003750831.2).
Genomic context (GRCh38, chr7:94,404,606, plus strand): 5'-TTCTTTACAGGGCTTAATGGGACCTAGAGGCCCACCTGGTGCAGCTGGAGCCCCAGTAAG[T>C]ACTGAAAGCTTGTAATGCCTCTTATGTAAAAAGACAGAGAATTAAGAAATAAAGGCTTGG-3'

ClinVar aggregate classification (germline): Uncertain significance (1 of 4 stars; one submission).

Conditions:
Ehlers-Danlos syndrome, classic type, 1 (EDSCL1). Also called: EHLERS-DANLOS SYNDROME, GRAVIS TYPE; EHLERS-DANLOS SYNDROME, SEVERE CLASSIC TYPE; Ehlers-Danlos syndrome, type 1; Ehlers-Danlos Syndrome, Classic Type, COL5A1-Related; EDS I. Identifiers: MedGen C0268335, MONDO:0019567, OMIM 130000.
Osteogenesis imperfecta type I (OI1). Also called: OI, TYPE I; OSTEOGENESIS IMPERFECTA TARDA; OSTEOGENESIS IMPERFECTA WITH BLUE SCLERAE; Osteogenesis imperfecta type 1; Lobstein's Disease; Lobstein disease. Identifiers: Orphanet 216796, Orphanet 666, MedGen C0023931, MONDO:0008146, OMIM 166200. Disease mechanism: loss of function.

gnomAD v4.1: 2 of 1,613,900 alleles (0.00012%); highest among the groups gnomAD compares: Admixed American, 0.0017%; no homozygotes.

Submission:

Labcorp Genetics (formerly Invitae), Labcorp
Classification: Uncertain significance for Osteogenesis imperfecta type I; Ehlers-Danlos syndrome, classic type, 1. Last evaluated: 2024-09-01. Review status: criteria provided, single submitter. Criteria: Invitae Variant Classification Sherloc (09022015). Collection method: clinical testing. Allele origin: germline.
Comment: This sequence change falls in intron 7 of the COL1A2 gene. It does not directly change the encoded amino acid sequence of the COL1A2 protein. It affects a nucleotide within the consensus splice site. This variant is not present in population databases (gnomAD no frequency). This variant has not been reported in the literature in individuals affected with COL1A2-related conditions. Variants that disrupt the consensus splice site are a relatively common cause of aberrant splicing (PMID: 17576681, 9536098). Algorithms developed to predict the effect of sequence changes on RNA splicing suggest that this variant is not likely to affect RNA splicing. In summary, the available evidence is currently insufficient to determine the role of this variant in disease. Therefore, it has been classified as a Variant of Uncertain Significance.

Literature cited by the submitters: PubMed 17576681; PubMed 9536098.